The following is an entry in ClinVar:

NM_001270508.2(TNFAIP3):c.2251G>A (p.Glu751Lys)

Gene: TNFAIP3 (TNF alpha induced protein 3; plus strand). Cytogenetic location: 6q23.3.
Variant type: single nucleotide variant.
Coding change: c.2251G>A on transcript NM_001270508.2 (MANE Select); coding-DNA position 2251, G replaced by A.
Protein change: p.Glu751Lys; replaces glutamic acid 751 with lysine.
Molecular consequence: missense variant.
Genome position (GRCh38, 1-based): chr6:137,881,197, G>A. VCF-style: chr6-137881197-G-A. GRCh37 (hg19) VCF-style: chr6-138202334-G-A.
Other names: c.2251G>A, p.Glu751Lys (NM_001270507.2, NM_006290.4); short protein forms E751K.
Identifiers: ClinVar variation 2104326 (VCV002104326.4), dbSNP rs2114517175, ClinGen allele CA365797768.

ClinVar aggregate classification (germline): Uncertain significance (1 of 4 stars; one submission).

Allele frequency attached by ClinVar (database versions not stated): gnomAD exomes below 0.00001.
gnomAD v4.1: 3 of 1,613,522 alleles (0.00019%); highest among the groups gnomAD compares: Non-Finnish European, 0.00025%; no homozygotes.

Submission:

Labcorp Genetics (formerly Invitae), Labcorp
Classification: Uncertain significance. Last evaluated: 2022-07-04. Review status: criteria provided, single submitter. Criteria: Invitae Variant Classification Sherloc (09022015). Collection method: clinical testing. Allele origin: germline.
Comment: In summary, the available evidence is currently insufficient to determine the role of this variant in disease. Therefore, it has been classified as a Variant of Uncertain Significance. Algorithms developed to predict the effect of missense changes on protein structure and function (SIFT, PolyPhen-2, Align-GVGD) all suggest that this variant is likely to be tolerated. This variant has not been reported in the literature in individuals affected with TNFAIP3-related conditions. This variant is not present in population databases (gnomAD no frequency). This sequence change replaces glutamic acid, which is acidic and polar, with lysine, which is basic and polar, at codon 751 of the TNFAIP3 protein (p.Glu751Lys).